The following is an entry in ClinVar:

ClinVar aggregate classification (germline): Pathogenic (1 of 4 stars; one submission).

Conditions:
Long QT syndrome (LQTS). Identifiers: MedGen C0023976, MeSH D008133, MONDO:0002442. Disease mechanism: loss of function. Inheritance: Various modes of inheritance.

Submission:

Labcorp Genetics (formerly Invitae), Labcorp
Classification: Pathogenic for Long QT syndrome. Last evaluated: 2019-04-29. Review status: criteria provided, single submitter. Criteria: Invitae Variant Classification Sherloc (09022015). Collection method: clinical testing. Allele origin: germline.
Comment: This sequence change creates a premature translational stop signal (p.Gly924Alafs*17) in the KCNH2 gene. It is expected to result in an absent or disrupted protein product. The frequency data for this variant in the population databases is considered unreliable, as metrics indicate insufficient coverage at this position in the ExAC database. This variant has not been reported in the literature in individuals with KCNH2-related conditions. Loss-of-function variants in KCNH2 are known to be pathogenic (PMID: 10973849, 19862833). For these reasons, this variant has been classified as Pathogenic.

Literature cited by the submitters: PubMed 10973849; PubMed 19862833.

NM_000238.4(KCNH2):c.2767_2770dup (p.Gly924fs)

Gene: KCNH2 (potassium voltage-gated channel subfamily H member 2; minus strand). Cytogenetic location: 7q36.1.
Variant type: Microsatellite.
Coding change: c.2767_2770dup on transcript NM_000238.4 (MANE Select); coding-DNA positions 2767 to 2770, 4 bases duplicated (CCGG; older notation c.2767_2770dupCCGG).
Protein change: p.Gly924fs; shifts the reading frame from glycine 924.
Molecular consequence: frameshift variant.
Genome position (GRCh38, 1-based): chr7:150,947,801-150,947,804, CCGG duplicated on the plus strand (CCGG on the coding strand, the reverse complement: KCNH2 is on the minus strand); duplicating any 4 consecutive bases within chr7:150,947,801-150,947,810 gives the same sequence; the c. name uses the placement nearest the transcript's 3' end. VCF-style (leftmost placement, unchanged base first): chr7-150947800-C-CCCGG. GRCh37 (hg19) VCF-style: chr7-150644888-C-CCCGG.
Other names: c.1747_1750dup, p.Gly584fs (NM_172057.3); short protein forms G924fs, G584fs.
Identifiers: ClinVar variation 949692 (VCV000949692.7), dbSNP rs1800970116, ClinGen allele CA1752430316.
Genomic context (GRCh38, chr7:150,947,800, plus strand): 5'-TCATCCTCACTGCTCTCAGGGCTGGAGGGGCCACTGGACGGGCTCTCCCCCCACGGCCCC[C>CCCGG]CCGGCCGGCCCCGGCTACTCGGCCCTGCCCCCGCCCGGCCCGGCCCCAAGGCCGACACCT-3'